The following is an entry in ClinVar:

NM_144997.7(FLCN):c.668A>G (p.Asn223Ser)

Gene: FLCN (folliculin; minus strand). Cytogenetic location: 17p11.2.
Variant type: single nucleotide variant.
Coding change: c.668A>G on transcript NM_144997.7 (MANE Select); coding-DNA position 668, A replaced by G.
Protein change: p.Asn223Ser; replaces asparagine 223 with serine.
Molecular consequence: missense variant.
Genome position (GRCh38, 1-based): chr17:17,222,612, T>C on the plus strand (A>G on the coding strand, the complement: FLCN is on the minus strand). VCF-style: chr17-17222612-T-C. GRCh37 (hg19) VCF-style: chr17-17125926-T-C.
Other names: c.668A>G, p.Asn223Ser (NM_001353231.2, NM_144606.7, NM_001353230.2); c.722A>G, p.Asn241Ser (NM_001353229.2); short protein forms N241S, N223S.
Identifiers: ClinVar variation 1754893 (VCV001754893.4), dbSNP rs779467022, ClinGen allele CA8416342.

ClinVar aggregate classification (germline): Uncertain significance. Review status: criteria provided, multiple submitters, no conflicts (2 of 4 stars). 2 submissions from 2 submitters: Uncertain significance (2). Last evaluated 2025-01-28.

Conditions:
Familial spontaneous pneumothorax (PSP). Identifiers: Orphanet 2903, MedGen C1868193, MONDO:0008259, OMIM 173600.
Colorectal cancer. Also called: Colorectal cancer, somatic; Malignant Colorectal Neoplasm. Identifiers: MedGen C0346629, MONDO:0005575, OMIM 114500.
Birt-Hogg-Dube syndrome 1 (BHD1). Also called: FIBROFOLLICULOMAS WITH TRICHODISCOMAS AND ACROCHORDONS. Identifiers: Orphanet 122, MedGen CN375946, MONDO:0800445, OMIM 135150.
Nonpapillary renal cell carcinoma. Identifiers: Orphanet 422526, MedGen CN074294, MONDO:0007763, OMIM 144700.
Hereditary cancer-predisposing syndrome. Also called: Neoplastic Syndromes, Hereditary; Tumor predisposition; Hereditary Cancer Syndrome; Hereditary neoplastic syndrome. Identifiers: Orphanet 140162, MedGen C0027672, MeSH D009386, MONDO:0015356.

Allele frequency attached by ClinVar (database versions not stated): gnomAD exomes below 0.00001; ExAC 0.00001.
gnomAD v4.1: 3 of 1,614,172 alleles (0.00019%); highest among the groups gnomAD compares: South Asian, 0.0022%; no homozygotes.

Submissions (2):

Ambry Genetics
Classification: Uncertain significance for Hereditary cancer-predisposing syndrome. Last evaluated: 2025-01-28. Review status: criteria provided, single submitter. Criteria: Ambry Variant Classification Scheme 2023. Collection method: clinical testing. Allele origin: germline.
Comment: The p.N223S variant (also known as c.668A>G), located in coding exon 4 of the FLCN gene, results from an A to G substitution at nucleotide position 668. The asparagine at codon 223 is replaced by serine, an amino acid with highly similar properties. This amino acid position is highly conserved in available vertebrate species. In addition, this alteration is predicted to be tolerated by in silico analysis. Since supporting evidence is limited at this time, the clinical significance of this alteration remains unclear.

Fulgent Genetics
Classification: Uncertain significance for Colorectal cancer; Birt-Hogg-Dube syndrome 1; Nonpapillary renal cell carcinoma; Familial spontaneous pneumothorax. Last evaluated: 2024-01-11. Review status: criteria provided, single submitter. Criteria: ACMG Guidelines, 2015. Collection method: clinical testing. Allele origin: germline.